The following is an entry in ClinVar:

ClinVar aggregate classification (germline): Pathogenic (1 of 4 stars; one submission).

Conditions:
Hereditary hemochromatosis (HFE). Identifiers: MedGen C0392514, MONDO:0006507. Disease mechanism: loss of function.

Submission:

Labcorp Genetics (formerly Invitae), Labcorp
Classification: Pathogenic for Hereditary hemochromatosis. Last evaluated: 2025-07-13. Review status: criteria provided, single submitter. Criteria: Invitae Variant Classification Sherloc (09022015). Collection method: clinical testing. Allele origin: germline.
Comment: This sequence change creates a premature translational stop signal (p.Trp213*) in the TFR2 gene. It is expected to result in an absent or disrupted protein product. Loss-of-function variants in TFR2 are known to be pathogenic (PMID: 23600741, 26029709). This variant is not present in population databases (gnomAD no frequency). This variant has not been reported in the literature in individuals affected with TFR2-related conditions. Algorithms developed to predict the effect of sequence changes on RNA splicing suggest that this variant may disrupt the consensus splice site. For these reasons, this variant has been classified as Pathogenic.

Literature cited by the submitters: PubMed 23600741; PubMed 26029709.

NM_003227.4(TFR2):c.638G>A (p.Trp213Ter)

Gene: TFR2 (transferrin receptor 2; minus strand). Cytogenetic location: 7q22.1.
Variant type: single nucleotide variant.
Coding change: c.638G>A on transcript NM_003227.4 (MANE Select); coding-DNA position 638, G replaced by A.
Protein change: p.Trp213Ter; replaces tryptophan 213 with a stop codon.
Molecular consequence: nonsense.
Genome position (GRCh38, 1-based): chr7:100,633,317, C>T on the plus strand (G>A on the coding strand, the complement: TFR2 is on the minus strand). VCF-style: chr7-100633317-C-T. GRCh37 (hg19) VCF-style: chr7-100230940-C-T.
Other names: c.125G>A, p.Trp42Ter (NM_001206855.3); short protein forms W213*, W42*.
Identifiers: ClinVar variation 4723071 (VCV004723071.1).